The following is an entry in ClinVar:

NM_002855.5(NECTIN1):c.79+4A>G

Gene: NECTIN1 (nectin cell adhesion molecule 1; minus strand). Cytogenetic location: 11q23.3.
Variant type: single nucleotide variant.
Coding change: c.79+4A>G on transcript NM_002855.5 (MANE Select); 4 bases into the intron after coding-DNA position 79, A replaced by G.
Molecular consequence: intron variant.
Genome position (GRCh38, 1-based): chr11:119,728,471, T>C on the plus strand (A>G on the coding strand, the complement: NECTIN1 is on the minus strand). VCF-style: chr11-119728471-T-C. GRCh37 (hg19) VCF-style: chr11-119599181-T-C.
Other names: c.79+4A>G (NM_203285.2, NM_203286.2).
Identifiers: ClinVar variation 731361 (VCV000731361.11), dbSNP rs542760632, ClinGen allele CA6322191.
Genomic context (GRCh38, chr11:119,728,471, plus strand): 5'-TCCGGCTCCCAGCCCCGGGGAGGCATTGGATGGGGGTGGGGACAGCAGAGGTGAGCGCTC[T>C]TACCTGGGAGGAAGAATGCGGTCAAGCCGAGAGCGAGTCCCCACCAGCGTCCAGCGGCGC-3'

ClinVar aggregate classification (germline): Conflicting classifications of pathogenicity. Review status: criteria provided, conflicting classifications (1 of 4 stars). 3 submissions from 3 submitters: Uncertain significance (1); Benign (1). 1 of the submissions does not count toward it. Last evaluated 2019-12-31.

Conditions:
Cleft lip/palate-ectodermal dysplasia syndrome (CLPED1). Also called: Zlotogora syndrome; ECTODERMAL DYSPLASIA, CLEFT LIP AND PALATE, MENTAL RETARDATION, AND SYNDACTYLY; ECTODERMAL DYSPLASIA, MARGARITA ISLAND TYPE; ECTODERMAL DYSPLASIA, TYPE 4; ZLOTOGORA-OGUR SYNDROME. Identifiers: Orphanet 3253, MedGen C2931488, MONDO:0009151, OMIM 225060.
NECTIN1-related disorder. Also called: NECTIN1-related condition.

Allele frequency attached by ClinVar (database versions not stated): gnomAD exomes 0.00007 and 0.00051; gnomAD 0.00019 and 0.00020; TOPMed 0.00022; 1000 Genomes Project 30x 0.00031; 1000 Genomes Project 0.00040; ExAC 0.00070.
gnomAD v4.1: 149 of 1,600,514 alleles (0.0093%); highest among the groups gnomAD compares: East Asian, 0.28%; 1 homozygote.

Submissions (3):

Labcorp Genetics (formerly Invitae), Labcorp
Classification: Benign. Last evaluated: 2019-12-31. Review status: criteria provided, single submitter. Criteria: Invitae Variant Classification Sherloc (09022015). Collection method: clinical testing. Allele origin: germline.

Illumina Laboratory Services, Illumina
Classification: Uncertain significance for Cleft lip/palate-ectodermal dysplasia syndrome. Last evaluated: 2018-01-13. Review status: criteria provided, single submitter. Criteria: ICSL Variant Classification Criteria 13 December 2019. Collection method: clinical testing. Allele origin: germline.

PreventionGenetics, part of Exact Sciences
Classification: Likely benign for NECTIN1-related condition. Last evaluated: 2020-03-01. Review status: no assertion criteria provided. Collection method: clinical testing. Allele origin: germline. Not counted in ClinVar's aggregate classification.
Comment: This variant is classified as likely benign based on ACMG/AMP sequence variant interpretation guidelines (Richards et al. 2015 PMID: 25741868, with internal and published modifications).